The following is an entry in ClinVar:

ClinVar aggregate classification (germline): Uncertain significance. Review status: criteria provided, multiple submitters, no conflicts (2 of 4 stars). 2 submissions from 2 submitters: Uncertain significance (2). Last evaluated 2025-06-27.

Conditions:
Hereditary breast ovarian cancer syndrome. Also called: BRCA1- and BRCA2-Associated Hereditary Breast and Ovarian Cancer; Hereditary breast and ovarian cancer syndrome; Hereditary breast and ovarian cancer; Hereditary breast and ovarian cancer syndrome (HBOC); Breast and ovarian cancer; Hereditary breast and/or ovarian cancer syndrome. Identifiers: Orphanet 145, MedGen C0677776, MeSH D061325, MONDO:0003582. Disease mechanism: loss of function.
Hereditary cancer-predisposing syndrome. Also called: Neoplastic Syndromes, Hereditary; Tumor predisposition; Hereditary Cancer Syndrome; Hereditary neoplastic syndrome. Identifiers: Orphanet 140162, MedGen C0027672, MeSH D009386, MONDO:0015356.

Submissions (2):

Labcorp Genetics (formerly Invitae), Labcorp
Classification: Uncertain significance for Hereditary breast ovarian cancer syndrome. Last evaluated: 2025-06-27. Review status: criteria provided, single submitter. Criteria: Invitae Variant Classification Sherloc (09022015). Collection method: clinical testing. Allele origin: germline.
Comment: This sequence change replaces glutamine, which is neutral and polar, with leucine, which is neutral and non-polar, at codon 1409 of the BRCA1 protein (p.Gln1409Leu). This variant is not present in population databases (gnomAD no frequency). This missense change has been observed in individual(s) with personal and/or family history of breast and/or ovarian cancer (PMID: 23613828). ClinVar contains an entry for this variant (Variation ID: 921480). Invitae Evidence Modeling of protein sequence and biophysical properties (such as structural, functional, and spatial information, amino acid conservation, physicochemical variation, residue mobility, and thermodynamic stability) indicates that this missense variant is expected to disrupt BRCA1 protein function with a positive predictive value of 80%. Experimental studies have shown that this missense change does not substantially affect BRCA1 function (PMID: 23613828). In summary, the available evidence is currently insufficient to determine the role of this variant in disease. Therefore, it has been classified as a Variant of Uncertain Significance.

Color Diagnostics, LLC DBA Color Health
Classification: Uncertain significance for Hereditary cancer-predisposing syndrome. Last evaluated: 2019-05-01. Review status: criteria provided, single submitter. Criteria: ACMG Guidelines, 2015. Collection method: clinical testing. Allele origin: germline.

Literature cited by the submitters: PubMed 23613828 (cited by Labcorp Genetics (formerly Invitae), Labcorp).

NM_007294.4(BRCA1):c.4226A>T (p.Gln1409Leu)

Gene: BRCA1 (BRCA1 DNA repair associated; minus strand). Cytogenetic location: 17q21.31.
Variant type: single nucleotide variant.
Coding change: c.4226A>T on transcript NM_007294.4 (MANE Select); coding-DNA position 4226, A replaced by T.
Protein change: p.Gln1409Leu; replaces glutamine 1409 with leucine.
Molecular consequence: missense variant. On other transcripts: non-coding transcript variant (1).
Genome position (GRCh38, 1-based): chr17:43,082,535, T>A on the plus strand (A>T on the coding strand, the complement: BRCA1 is on the minus strand). VCF-style: chr17-43082535-T-A. GRCh37 (hg19) VCF-style: chr17-41234552-T-A.
Other names: c.4085A>T, p.Gln1362Leu (NM_001407738.1, NM_001407739.1, NM_007297.4 and 23 more transcripts); c.4082A>T, p.Gln1361Leu (NM_001407740.1, NM_001407741.1, NM_001407742.1 and 23 more transcripts); c.914A>T, p.Gln305Leu (NM_001408403.1, NM_001408404.1, NM_001408472.1 and 18 more transcripts); c.908A>T, p.Gln303Leu (NM_001408406.1, NM_001408408.1); c.911A>T, p.Gln304Leu (NM_001408407.1, NM_001408400.1, NM_001408401.1 and 1 more transcripts); c.839A>T, p.Gln280Leu (NM_001408409.1, NM_001408411.1, NM_001408412.1 and 2 more transcripts); c.776A>T, p.Gln259Leu (NM_001408410.1, NM_001408452.1, NM_001408453.1 and 8 more transcripts); c.836A>T, p.Gln279Leu (NM_001408413.1, NM_001408416.1); and 51 more; short protein forms Q1409L, Q1362L, Q306L, Q1366L, Q1383L, Q179L, Q193L, Q196L.
Identifiers: ClinVar variation 921480 (VCV000921480.12), dbSNP rs1018305119, ClinGen allele CA10593269.